The following is an entry in ClinVar:

NM_001083962.2(TCF4):c.1880-132C>T

Gene: TCF4 (transcription factor 4; minus strand). Cytogenetic location: 18q21.2.
Variant type: single nucleotide variant.
Coding change: c.1880-132C>T on transcript NM_001083962.2 (MANE Select); 132 bases into the intron before coding-DNA position 1880, C replaced by T.
Molecular consequence: intron variant.
Genome position (GRCh38, 1-based): chr18:55,228,493, G>A on the plus strand (C>T on the coding strand, the complement: TCF4 is on the minus strand). VCF-style: chr18-55228493-G-A. GRCh37 (hg19) VCF-style: chr18-52895724-G-A.
Other names: c.2186-132C>T (NM_001243226.3); c.1793-132C>T (NM_001369584.1, NM_001369585.1, NM_001348220.1); c.1805-132C>T (NM_001369576.1, NM_001369577.1, NM_001369578.1 and 3 more transcripts); c.1796-132C>T (NM_001369582.1, NM_001369583.1, NM_001348219.2 and 1 more transcripts); c.1808-132C>T (NM_001243227.2, NM_001369575.1, NM_001348218.2 and 1 more transcripts); c.1811-132C>T (NM_001369586.1); c.1868-132C>T (NM_001369571.1, NM_001369572.1, NM_003199.3); c.1880-132C>T (NM_001369567.1, NM_001369568.1); and 14 more.
Identifiers: ClinVar variation 677343 (VCV000677343.2), dbSNP rs144033370, ClinGen allele CA14614645.
Genomic context (GRCh38, chr18:55,228,493, plus strand): 5'-CTTGCGTGTCTGACCTTTTTCTCAGTGTTTATATTACAGAACAAAAGGAACAGTTACTAA[G>A]TACTGTGGCAATCCATTTGGTCAGTCACTAGTAAAAGGTGAACTGCATGTGAGTGTGTAC-3'

ClinVar aggregate classification (germline): Likely benign. Review status: criteria provided, multiple submitters, no conflicts (2 of 4 stars). 2 submissions from 2 submitters: Likely benign (2). Last evaluated 2018-06-19.

Allele frequency attached by ClinVar (database versions not stated): 1000 Genomes Project 0.00499; 1000 Genomes Project 30x 0.00500; TOPMed 0.01201; gnomAD 0.01265 and 0.01317.
gnomAD v4.1: 22,343 of 1,271,966 alleles (1.8%); highest among the groups gnomAD compares: Non-Finnish European, 2.2%; 237 homozygotes.

Submissions (2):

GeneDx
Classification: Likely benign. Last evaluated: 2018-06-19. Review status: criteria provided, single submitter. Criteria: GeneDx Variant Classification (06012015). Collection method: clinical testing. Allele origin: germline. Affected: yes.
Comment: This variant is considered likely benign or benign based on one or more of the following criteria: it is a conservative change, it occurs at a poorly conserved position in the protein, it is predicted to be benign by multiple in silico algorithms, and/or has population frequency not consistent with disease.

Breakthrough Genomics
Classification: Likely benign. Review status: criteria provided, single submitter. Criteria: ACMG Guidelines, 2015. Collection method: not provided. Allele origin: germline. Inheritance: Autosomal dominant inheritance. Affected: yes.